The following is an entry in ClinVar:

NM_005787.6(ALG3):c.46C>T (p.Gln16Ter)

Gene: ALG3 (ALG3 alpha-1,3- mannosyltransferase; minus strand). Cytogenetic location: 3q27.1.
Variant type: single nucleotide variant.
Coding change: c.46C>T on transcript NM_005787.6 (MANE Select); coding-DNA position 46, C replaced by T.
Protein change: p.Gln16Ter; replaces glutamine 16 with a stop codon.
Molecular consequence: nonsense. On other transcripts: non-coding transcript variant (2), intron variant (1).
Genome position (GRCh38, 1-based): chr3:184,248,895, G>A on the plus strand (C>T on the coding strand, the complement: ALG3 is on the minus strand). VCF-style: chr3-184248895-G-A. GRCh37 (hg19) VCF-style: chr3-183966683-G-A.
Other names: c.52+331C>T (NM_001006941.2); short protein forms Q16*.
Identifiers: ClinVar variation 4882593 (VCV004882593.2).

ClinVar aggregate classification (germline): Likely pathogenic (1 of 4 stars; one submission).

gnomAD v4.1: 8 of 1,601,946 alleles (0.0005%); highest among the groups gnomAD compares: Middle Eastern, 0.017%; no homozygotes.

Submission:

Dasa
Classification: Likely pathogenic. Last evaluated: 2025-11-05. Review status: criteria provided, single submitter. Criteria: DASA Assertion Criteria. Collection method: clinical testing. Allele origin: germline.
Comment: NM_005787.6(ALG3):c.46C>T (p.Gln16*) is a nonsense variant in ALG3 predicted to introduce a premature termination codon and is predicted to result in an absent or altered protein product. Loss of function is an established disease mechanism for ALG3-associated disorders. Also, this variant is rare in population databases. Based on the currently available evidence, this variant is classified as likely pathogenic.